The following is an entry in ClinVar:

ClinVar aggregate classification (germline): Likely pathogenic. Review status: criteria provided, multiple submitters, no conflicts (2 of 4 stars). 2 submissions from 2 submitters: Likely pathogenic (2). Last evaluated 2019-12-17.

Conditions:
ABCA1-related disorder. Also called: ABCA1-related condition; ABCA1-related disorders. Identifiers: MedGen CN239173.
Hypoalphalipoproteinemia, primary, 1. Identifiers: Orphanet 425, MedGen C5231558, MONDO:0011393, OMIM 604091.

Allele frequency attached by ClinVar (database versions not stated): gnomAD exomes below 0.00001.
gnomAD v4.1: 5 of 1,614,100 alleles (0.00031%); highest among the groups gnomAD compares: Non-Finnish European, 0.00042%; no homozygotes.

Submissions (2):

Blueprint Genetics
Classification: Likely pathogenic for ABCA1-related disorders. Last evaluated: 2019-12-17. Review status: criteria provided, single submitter. Criteria: ACMG Guidelines, 2015. Collection method: clinical testing. Allele origin: germline. Affected: yes. Observed: 1 variant allele.

Kids Neuroscience Centre, Sydney Children's Hospitals Network
Classification: Likely pathogenic for Hypoalphalipoproteinemia, primary, 1. Review status: criteria provided, single submitter. Criteria: Bournazos AM et al. (Genet Med 2021). Collection method: clinical testing. Allele origin: unknown. Inheritance: Autosomal dominant inheritance. Affected: yes. Observed: 1 heterozygote.
Comment: Detected one abnormal splicing event, exon 38 skipping (r.5122_5237del). This event causes a frameshift encoding 33 missense amino acids and a premature termination codon, p.(Cys1708Valfs*34). The consistent, lower relative abundance of PCR bands with exon 38-skipping is suggestive of surveillance and degradation by nonsense mediated decay (NMD). Any transcripts that escape NMD encode ABCA1 protein lacking 554 amino acids from the C -terminus, including the ABC transporter 2 domain.

NM_005502.4(ABCA1):c.5237+3A>C

Gene: ABCA1 (ATP binding cassette subfamily A member 1; minus strand). Cytogenetic location: 9q31.1.
Variant type: single nucleotide variant.
Coding change: c.5237+3A>C on transcript NM_005502.4 (MANE Select); 3 bases into the intron after coding-DNA position 5237, A replaced by C.
Molecular consequence: intron variant.
Genome position (GRCh38, 1-based): chr9:104,796,306, T>G on the plus strand (A>C on the coding strand, the complement: ABCA1 is on the minus strand). VCF-style: chr9-104796306-T-G. GRCh37 (hg19) VCF-style: chr9-107558587-T-G.
Identifiers: ClinVar variation 1064620 (VCV001064620.4), dbSNP rs1440948694, ClinGen allele CA590046401.